The following is an entry in ClinVar:

NM_000390.4(CHM):c.187C>T (p.Gln63Ter)

Gene: CHM (CHM Rab escort protein; minus strand). Cytogenetic location: Xq21.2.
Variant type: single nucleotide variant.
Coding change: c.187C>T on transcript NM_000390.4 (MANE Select); coding-DNA position 187, C replaced by T.
Protein change: p.Gln63Ter; replaces glutamine 63 with a stop codon.
Molecular consequence: nonsense. On other transcripts: 5 prime UTR variant (4).
Genome position (GRCh38, 1-based): chrX:85,981,739, G>A on the plus strand (C>T on the coding strand, the complement: CHM is on the minus strand). VCF-style: chrX-85981739-G-A. GRCh37 (hg19) VCF-style: chrX-85236743-G-A.
Other names: NC_000023.10:g.85236743G>A; c.187C>T, p.Gln63Ter (NM_001145414.4); c.-258C>T (NM_001320959.1, NM_001362517.1); c.-254C>T (NM_001362518.2, NM_001362519.1); short protein forms Q63*.
Identifiers: ClinVar variation 1675198 (VCV001675198.5), dbSNP rs1931625420, ClinGen allele CA413788234.
Genomic context (GRCh38, chrX:85,981,739, plus strand): 5'-GTTACTATGTAACATACAATAAAACAAAGCAAATTAAAAGGTCAGATACAAACTTTACCT[G>A]GTATTCCTTTAGCCAGGACAATAGTCCTGAAAAGCTAAAACTGGCCCAGTTTCCTCCATA-3'

ClinVar aggregate classification (germline): Pathogenic. Review status: criteria provided, multiple submitters, no conflicts (2 of 4 stars). 3 submissions from 3 submitters: Pathogenic (3). Last evaluated 2022-03-10.

Conditions:
CHM-related disorders.
Retinal dystrophy. Also called: Inherited retinal dystrophy. Identifiers: Orphanet 71862, MedGen C0854723, MeSH D058499, MONDO:0019118, HP:0000556.
Choroideremia. Also called: Chorioretinal scalloped atrophy. Identifiers: Orphanet 180, MedGen C0008525, MONDO:0010557, OMIM 303100, HP:0001139.

Submissions (4):

Blueprint Genetics
Classification: Pathogenic for CHM-related disorders. Last evaluated: 2022-03-10. Review status: criteria provided, single submitter. Criteria: ACMG Guidelines, 2015. Collection method: clinical testing. Allele origin: germline. Affected: yes. Observed: 2 variant alleles.

Centre of Medical Genetics, University Hospital Muenster
Classification: Pathogenic for Choroideremia. Last evaluated: 2020-08-03. Review status: criteria provided, single submitter. Criteria: ACMG Guidelines, 2015. Collection method: clinical testing. Allele origin: germline. Affected: yes. Observed: 1 variant allele, 1 homozygote.
Comment: ACMG categories: PVS1,PS5,PM2

Institute of Human Genetics, Univ. Regensburg, Univ. Regensburg
Classification: Pathogenic for Retinal dystrophy. Last evaluated: 2009-01-01. Review status: criteria provided, single submitter. Criteria: ACMG Guidelines, 2015. Collection method: clinical testing. Allele origin: germline. Affected: yes.

Dr. Peter K. Rogan Lab, Western University
No classification provided (evidence only). Condition: Nonpapillary renal cell carcinoma. Review status: no classification provided. Collection method: in vitro. Allele origin: not applicable. Functional consequence: retained intron. Not counted in ClinVar's aggregate classification.

Literature cited by the submitters: PubMed 31144483 (cited by Institute of Human Genetics, Univ. Regensburg, Univ. Regensburg).